The following is an entry in ClinVar:

ClinVar aggregate classification (germline): Likely pathogenic (0 of 4 stars; one submission).

Conditions:
ADCY3-related disorder. Also called: ADCY3-related condition.

Submission:

PreventionGenetics, part of Exact Sciences
Classification: Likely pathogenic for ADCY3-related condition. Last evaluated: 2024-06-17. Review status: no assertion criteria provided. Collection method: clinical testing. Allele origin: germline.
Comment: The ADCY3 c.1318delA variant is predicted to result in a frameshift and premature protein termination (p.Thr440Leufs*2). To our knowledge, this variant has not been reported in the literature or in a large population database, indicating this variant is rare. However, protein truncating variants in ADCY3 are known to be disease-causing (Saeed et al. 2018. PubMed ID: 29311637). Based on this evidence we interpret this variant as likely pathogenic.

NM_004036.5(ADCY3):c.1318del (p.Thr440fs)

Gene: ADCY3 (adenylate cyclase 3; minus strand). Cytogenetic location: 2p23.3.
Variant type: Deletion.
Coding change: c.1318del on transcript NM_004036.5 (MANE Select); coding-DNA position 1318, one base deleted (A; older notation c.1318delA).
Protein change: p.Thr440fs; shifts the reading frame from threonine 440.
Molecular consequence: frameshift variant.
Genome position (GRCh38, 1-based): chr2:24,839,910, T deleted on the plus strand (A on the coding strand, the reverse complement: ADCY3 is on the minus strand). VCF-style (leftmost placement, unchanged base first): chr2-24839909-GT-G. GRCh37 (hg19) VCF-style: chr2-25062778-GT-G.
Other names: c.1318del, p.Thr440fs (NM_001320613.2, NM_001377128.1, NM_001377129.1 and 2 more transcripts); c.595del, p.Thr199fs (NM_001377131.1); short protein forms T199fs, T440fs.
Identifiers: ClinVar variation 3350597 (VCV003350597.1).
Genomic context (GRCh38, chr2:24,839,909, plus strand): 5'-CTGCCCCCTTGGAATGGCACTCACCCAGGGATGCCGCCGGCCTCCATCTTGTTGGCTACA[GT>G]GACATCAGTCGACCACACGTCGTACTGCCAGCGCTTCTGGCCCAGGACGCCCCCCAGCAC-3'